The following is an entry in ClinVar:

NM_018063.5(HELLS):c.1528C>T (p.Arg510Ter)

Gene: HELLS (helicase, lymphoid specific; plus strand). Cytogenetic location: 10q23.33.
Variant type: single nucleotide variant.
Coding change: c.1528C>T on transcript NM_018063.5 (MANE Select); coding-DNA position 1528, C replaced by T.
Protein change: p.Arg510Ter; replaces arginine 510 with a stop codon.
Molecular consequence: nonsense.
Genome position (GRCh38, 1-based): chr10:94,590,452, C>T. VCF-style: chr10-94590452-C-T. GRCh37 (hg19) VCF-style: chr10-96350209-C-T.
Other names: c.1666C>T, p.Arg556Ter (NM_001289067.2); c.1480C>T, p.Arg494Ter (NM_001289068.2); c.1432C>T, p.Arg478Ter (NM_001289069.2); c.1234C>T, p.Arg412Ter (NM_001289070.2); c.1156C>T, p.Arg386Ter (NM_001289071.2); c.1138C>T, p.Arg380Ter (NM_001289072.2); c.1114C>T, p.Arg372Ter (NM_001289073.2); c.445C>T, p.Arg149Ter (NM_001289074.2); and 1 more; short protein forms R412*, R372*, R104*, R494*, R510*, R556*, R149*, R380*.
Identifiers: ClinVar variation 2796027 (VCV002796027.3), dbSNP rs2493269726, ClinGen allele CA377665564.

ClinVar aggregate classification (germline): Pathogenic (1 of 4 stars; one submission).

gnomAD v4.1: 1 of 1,609,754 alleles (0.000062%); highest among the groups gnomAD compares: Non-Finnish European, 0.000085%; no homozygotes.

Submission:

Labcorp Genetics (formerly Invitae), Labcorp
Classification: Pathogenic. Last evaluated: 2023-07-22. Review status: criteria provided, single submitter. Criteria: Invitae Variant Classification Sherloc (09022015). Collection method: clinical testing. Allele origin: germline.
Comment: This sequence change creates a premature translational stop signal (p.Arg510*) in the HELLS gene. It is expected to result in an absent or disrupted protein product. Loss-of-function variants in HELLS are known to be pathogenic (PMID: 26216346). This variant is not present in population databases (gnomAD no frequency). This variant has not been reported in the literature in individuals affected with HELLS-related conditions. For these reasons, this variant has been classified as Pathogenic.

Literature cited by the submitters: PubMed 26216346.